The following is an entry in ClinVar:

NM_182919.4(TICAM1):c.1883C>T (p.Pro628Leu)

Gene: TICAM1 (TIR domain containing adaptor molecule 1; minus strand). Cytogenetic location: 19p13.3.
Variant type: single nucleotide variant.
Coding change: c.1883C>T on transcript NM_182919.4 (MANE Select); coding-DNA position 1883, C replaced by T.
Protein change: p.Pro628Leu; replaces proline 628 with leucine.
Molecular consequence: missense variant.
Genome position (GRCh38, 1-based): chr19:4,816,495, G>A on the plus strand (C>T on the coding strand, the complement: TICAM1 is on the minus strand). VCF-style: chr19-4816495-G-A. GRCh37 (hg19) VCF-style: chr19-4816507-G-A.
Other names: c.1883C>T (NM_182919.2); short protein forms P628L.
Identifiers: ClinVar variation 854424 (VCV000854424.9), dbSNP rs759573569, ClinGen allele CA9105046.

ClinVar aggregate classification (germline): Uncertain significance. Review status: criteria provided, multiple submitters, no conflicts (2 of 4 stars). 2 submissions from 2 submitters: Uncertain significance (2). Last evaluated 2024-02-24.

Conditions:
Encephalopathy, acute, infection-induced (herpes-specific), susceptibility to, 6. Also called: Herpes simplex encephalitis, susceptibility to, 4. Identifiers: Orphanet 1930, MedGen C3553869, MONDO:0013921, OMIM 614850.

Allele frequency attached by ClinVar (database versions not stated): gnomAD 0.00003; gnomAD exomes 0.00003; ExAC 0.00001; TOPMed 0.00002.
gnomAD v4.1: 31 of 1,574,456 alleles (0.002%); highest among the groups gnomAD compares: Admixed American, 0.0055%; no homozygotes.

Submissions (2):

Labcorp Genetics (formerly Invitae), Labcorp
Classification: Uncertain significance for Encephalopathy, acute, infection-induced (herpes-specific), susceptibility to, 6. Last evaluated: 2024-02-24. Review status: criteria provided, single submitter. Criteria: Invitae Variant Classification Sherloc (09022015). Collection method: clinical testing. Allele origin: germline.
Comment: This sequence change replaces proline, which is neutral and non-polar, with leucine, which is neutral and non-polar, at codon 628 of the TICAM1 protein (p.Pro628Leu). This variant is present in population databases (rs759573569, gnomAD 0.006%). This variant has not been reported in the literature in individuals affected with TICAM1-related conditions. ClinVar contains an entry for this variant (Variation ID: 854424). Algorithms developed to predict the effect of missense changes on protein structure and function output the following: SIFT: "Not Available"; PolyPhen-2: "Possibly Damaging"; Align-GVGD: "Not Available". The leucine amino acid residue is found in multiple mammalian species, which suggests that this missense change does not adversely affect protein function. In summary, the available evidence is currently insufficient to determine the role of this variant in disease. Therefore, it has been classified as a Variant of Uncertain Significance.

Ambry Genetics
Classification: Uncertain significance. Last evaluated: 2021-08-30. Review status: criteria provided, single submitter. Criteria: Ambry Variant Classification Scheme 2023. Collection method: clinical testing. Allele origin: germline.